The following is an entry in ClinVar:

ClinVar aggregate classification (germline): Uncertain significance. Review status: criteria provided, multiple submitters, no conflicts (2 of 4 stars). 2 submissions from 2 submitters: Uncertain significance (2). Last evaluated 2025-06-17.

Conditions:
Gorlin syndrome. Also called: Basal cell nevus syndrome; Nevoid Basal Cell Carcinoma Syndrome. Identifiers: Orphanet 377, MedGen C0004779, MONDO:0007187.
Basal cell nevus syndrome 1 (BCNS1). Also called: GORLIN-GOLTZ SYNDROME; MULTIPLE BASAL CELL NEVI, ODONTOGENIC KERATOCYSTS, AND SKELETAL ANOMALIES. Identifiers: MedGen CN376810, MONDO:0958174, OMIM 109400.

Allele frequency attached by ClinVar (database versions not stated): gnomAD exomes 0.00002 and 0.00004; gnomAD 0.00006; TOPMed 0.00007; ESP Exome Variant Server 0.00008; ExAC 0.00001.
gnomAD v4.1: 69 of 1,610,186 alleles (0.0043%); highest among the groups gnomAD compares: African/African-American, 0.0053%; no homozygotes.

Submissions (2):

St. Jude Molecular Pathology, St. Jude Children's Research Hospital
Classification: Uncertain significance for Basal cell nevus syndrome 1. Last evaluated: 2025-06-17. Review status: criteria provided, single submitter. Criteria: St. Jude Assertion Criteria 2020. Collection method: clinical testing. Allele origin: germline.
Comment: The PTCH2 c.704G>A p.(Arg235Gln) missense change has a maximum subpopulation frequency of 0.012% in gnomAD v2.1.1. The in silico tool REVEL is inconclusive about a pathogenic or benign effect of this variant on protein function, and to our knowledge functional studies have not been performed. To our knowledge, this variant has not been reported in individuals with nevoid basal cell carcinoma syndrome. In summary, the evidence currently available is insufficient to determine the clinical significance of this variant. It has therefore been classified as of uncertain significance.

Labcorp Genetics (formerly Invitae), Labcorp
Classification: Uncertain significance for Gorlin syndrome. Last evaluated: 2024-10-22. Review status: criteria provided, single submitter. Criteria: Invitae Variant Classification Sherloc (09022015). Collection method: clinical testing. Allele origin: germline.
Comment: This sequence change replaces arginine, which is basic and polar, with glutamine, which is neutral and polar, at codon 235 of the PTCH2 protein (p.Arg235Gln). This variant is present in population databases (rs376337405, gnomAD 0.01%). This variant has not been reported in the literature in individuals affected with PTCH2-related conditions. ClinVar contains an entry for this variant (Variation ID: 581418). Invitae Evidence Modeling of protein sequence and biophysical properties (such as structural, functional, and spatial information, amino acid conservation, physicochemical variation, residue mobility, and thermodynamic stability) indicates that this missense variant is not expected to disrupt PTCH2 protein function with a negative predictive value of 80%. In summary, the available evidence is currently insufficient to determine the role of this variant in disease. Therefore, it has been classified as a Variant of Uncertain Significance.

NM_003738.5(PTCH2):c.704G>A (p.Arg235Gln)

Gene: PTCH2 (patched 2; minus strand). Cytogenetic location: 1p34.1.
Variant type: single nucleotide variant.
Coding change: c.704G>A on transcript NM_003738.5 (MANE Select); coding-DNA position 704, G replaced by A.
Protein change: p.Arg235Gln; replaces arginine 235 with glutamine.
Molecular consequence: missense variant.
Genome position (GRCh38, 1-based): chr1:44,830,957, C>T on the plus strand (G>A on the coding strand, the complement: PTCH2 is on the minus strand). VCF-style: chr1-44830957-C-T. GRCh37 (hg19) VCF-style: chr1-45296629-C-T.
Other names: c.704G>A, p.Arg235Gln (NM_001166292.2); short protein forms R235Q.
Identifiers: ClinVar variation 581418 (VCV000581418.13), dbSNP rs376337405, ClinGen allele CA823547.